The following is an entry in ClinVar:

ClinVar aggregate classification (germline): Conflicting classifications of pathogenicity. Review status: criteria provided, conflicting classifications (1 of 4 stars). 2 submissions from 2 submitters: Uncertain significance (1); Likely benign (1). Last evaluated 2024-12-23.

Conditions:
Long QT syndrome (LQTS). Identifiers: MedGen C0023976, MeSH D008133, MONDO:0002442. Disease mechanism: loss of function. Inheritance: Various modes of inheritance.
Cardiovascular phenotype. Identifiers: MedGen CN230736.

Allele frequency attached by ClinVar (database versions not stated): gnomAD exomes below 0.00001; ExAC 0.00001.
gnomAD v4.1: 1 of 1,613,310 alleles (0.000062%); highest among the groups gnomAD compares: Non-Finnish European, 0.000085%; no homozygotes.

Submissions (2):

Ambry Genetics
Classification: Likely benign for Cardiovascular phenotype. Last evaluated: 2024-12-23. Review status: criteria provided, single submitter. Criteria: Ambry Variant Classification Scheme 2023. Collection method: clinical testing. Allele origin: germline.

Labcorp Genetics (formerly Invitae), Labcorp
Classification: Uncertain significance for Long QT syndrome. Last evaluated: 2023-03-30. Review status: criteria provided, single submitter. Criteria: Invitae Variant Classification Sherloc (09022015). Collection method: clinical testing. Allele origin: germline.
Comment: Advanced modeling of protein sequence and biophysical properties (such as structural, functional, and spatial information, amino acid conservation, physicochemical variation, residue mobility, and thermodynamic stability) performed at Invitae indicates that this missense variant is not expected to disrupt CACNA1C protein function. In summary, the available evidence is currently insufficient to determine the role of this variant in disease. Therefore, it has been classified as a Variant of Uncertain Significance. ClinVar contains an entry for this variant (Variation ID: 1057619). This variant has not been reported in the literature in individuals affected with CACNA1C-related conditions. This variant is present in population databases (rs759941975, gnomAD 0.0009%). This sequence change replaces threonine, which is neutral and polar, with asparagine, which is neutral and polar, at codon 95 of the CACNA1C protein (p.Thr95Asn).

NM_000719.7(CACNA1C):c.284C>A (p.Thr95Asn)

Gene: CACNA1C (calcium voltage-gated channel subunit alpha1 C; plus strand). Cytogenetic location: 12p13.33.
Variant type: single nucleotide variant.
Coding change: c.284C>A on transcript NM_000719.7 (MANE Select); coding-DNA position 284, C replaced by A.
Protein change: p.Thr95Asn; replaces threonine 95 with asparagine.
Molecular consequence: missense variant.
Genome position (GRCh38, 1-based): chr12:2,115,458, C>A. VCF-style: chr12-2115458-C-A. GRCh37 (hg19) VCF-style: chr12-2224624-C-A.
Other names: c.284C>A (NM_000719.6); c.284C>A, p.Thr95Asn (NM_001129827.2, NM_001129829.2, NM_001129830.3 and 19 more transcripts); short protein forms T95N.
Identifiers: ClinVar variation 1057619 (VCV001057619.11), dbSNP rs759941975, ClinGen allele CA6388417.